The following is an entry in ClinVar:

NM_001613.4(ACTA2):c.574A>G (p.Met192Val)

Gene: ACTA2 (actin alpha 2, smooth muscle; minus strand). Cytogenetic location: 10q23.31.
Variant type: single nucleotide variant.
Coding change: c.574A>G on transcript NM_001613.4 (MANE Select); coding-DNA position 574, A replaced by G.
Protein change: p.Met192Val; replaces methionine 192 with valine.
Molecular consequence: missense variant.
Genome position (GRCh38, 1-based): chr10:88,941,271, T>C on the plus strand (A>G on the coding strand, the complement: ACTA2 is on the minus strand). VCF-style: chr10-88941271-T-C. GRCh37 (hg19) VCF-style: chr10-90701028-T-C.
Other names: c.574A>G, p.Met192Val (NM_001141945.3, NM_001320855.2, NM_001406462.1 and 3 more transcripts); c.463A>G, p.Met155Val (NM_001406466.1); c.445A>G, p.Met149Val (NM_001406467.1, NM_001406468.1, NM_001406469.1); short protein forms M192V, M155V, M149V.
Identifiers: ClinVar variation 922914 (VCV000922914.9), dbSNP rs761222556, ClinGen allele CA028699.

ClinVar aggregate classification (germline): Uncertain significance. Review status: criteria provided, multiple submitters, no conflicts (2 of 4 stars). 2 submissions from 2 submitters: Uncertain significance (2). Last evaluated 2023-10-30.

Conditions:
Familial thoracic aortic aneurysm and aortic dissection (TAAD). Also called: Thoracic aortic aneurysms and dissections. Identifiers: Orphanet 91387, MedGen C4707243, MONDO:0019625.
Aortic aneurysm, familial thoracic 6 (AAT6). Also called: FAMILIAL THORACIC AORTIC ANEURYSM WITH LIVEDO RETICULARIS AND IRIS FLOCCULI. Identifiers: MedGen C2673186, MONDO:0012730, OMIM 611788.

Allele frequency attached by ClinVar (database versions not stated): gnomAD exomes below 0.00001; ExAC 0.00001.

Submissions (2):

Labcorp Genetics (formerly Invitae), Labcorp
Classification: Uncertain significance for Aortic aneurysm, familial thoracic 6. Last evaluated: 2023-10-30. Review status: criteria provided, single submitter. Criteria: Invitae Variant Classification Sherloc (09022015). Collection method: clinical testing. Allele origin: germline.
Comment: This sequence change replaces methionine, which is neutral and non-polar, with valine, which is neutral and non-polar, at codon 192 of the ACTA2 protein (p.Met192Val). This variant is present in population databases (rs761222556, gnomAD 0.0009%). This missense change has been observed in individual(s) with isolated thoracic aortic aneurysm (PMID: 28855619). ClinVar contains an entry for this variant (Variation ID: 922914). Advanced modeling of protein sequence and biophysical properties (such as structural, functional, and spatial information, amino acid conservation, physicochemical variation, residue mobility, and thermodynamic stability) performed at Invitae indicates that this missense variant is not expected to disrupt ACTA2 protein function with a negative predictive value of 80%. This variant disrupts the p.Met192 amino acid residue in ACTA2. Other variant(s) that disrupt this residue have been observed in individuals with ACTA2-related conditions (PMID: 33824467), which suggests that this may be a clinically significant amino acid residue. In summary, the available evidence is currently insufficient to determine the role of this variant in disease. Therefore, it has been classified as a Variant of Uncertain Significance.

Color Diagnostics, LLC DBA Color Health
Classification: Uncertain significance for Familial thoracic aortic aneurysm and aortic dissection. Last evaluated: 2022-06-30. Review status: criteria provided, single submitter. Criteria: ACMG Guidelines, 2015. Collection method: clinical testing. Allele origin: germline.
Comment: This missense variant replaces methionine with valine at codon 192 of the ACTA2 protein. Computational prediction suggests that this variant may not impact protein structure and function (internally defined REVEL score threshold <= 0.5, PMID: 27666373). To our knowledge, functional studies have not been reported for this variant. This variant has been reported in an individual affected with thoracic aortic aneurysm and dissection case (PMID: 28855619). This variant has been identified in 1/251010 chromosomes in the general population by the Genome Aggregation Database (gnomAD). The available evidence is insufficient to determine the role of this variant in disease conclusively. Therefore, this variant is classified as a Variant of Uncertain Significance.

Literature cited by the submitters: PubMed 28855619 (cited by Labcorp Genetics (formerly Invitae), Labcorp and Color Diagnostics, LLC DBA Color Health); PubMed 33824467 (cited by Labcorp Genetics (formerly Invitae), Labcorp).